The following is an entry in ClinVar:

NM_000492.4(CFTR):c.1210-34TG[7]

Genes: CFTR (CF transmembrane conductance regulator; plus strand), CFTR-AS1 (CFTR antisense RNA 1; minus strand). Cytogenetic location: 7q31.2.
Variant type: Microsatellite.
Coding change: c.1210-34TG[7] on transcript NM_000492.4 (MANE Select); seven copies in a row of the 2-base unit TG starting at c.1210-34.
Molecular consequence: intron variant.
Genome position: GRCh38 VCF-style: chr7-117548606-ATGTGTGTG-A. GRCh37 (hg19) VCF-style: chr7-117188660-ATGTGTGTG-A.
Identifiers: ClinVar variation 3029545 (VCV003029545.2), dbSNP rs3832534, ClinGen allele CA832118489.
Genomic context (GRCh38, chr7:117,548,606, plus strand): 5'-TAATTGTACATAAAACAAGCATCTATTGAAAATATCTGACAAACTCATCTTTTATTTTTG[ATGTGTGTG>A]TGTGTGTGTGTGTGTTTTTTTAACAGGGATTTGGGGAATTATTTGAGAAAGCAAAACAAA-3'

ClinVar aggregate classification (germline): Likely benign (0 of 4 stars; one submission).

Conditions:
CFTR-related disorder (CFTR-RD). Also called: CFTR-related condition; CFTR-related disorders. Identifiers: MedGen C5924204, MONDO:7770004.

Submission:

PreventionGenetics, part of Exact Sciences
Classification: Likely benign for CFTR-related condition. Last evaluated: 2021-11-18. Review status: no assertion criteria provided. Collection method: clinical testing. Allele origin: germline.
Comment: This variant is classified as likely benign based on ACMG/AMP sequence variant interpretation guidelines (Richards et al. 2015 PMID: 25741868, with internal and published modifications).